The following is an entry in ClinVar:

ClinVar aggregate classification (germline): Pathogenic/Likely pathogenic. Review status: criteria provided, multiple submitters, no conflicts (2 of 4 stars). 4 submissions from 4 submitters: Pathogenic (3); Likely pathogenic (1). Last evaluated 2025-11-24.

Conditions:
Neurodevelopmental disorder with or without hyperkinetic movements and seizures, autosomal dominant. Also called: Intellectual disability, autosomal dominant 8. Identifiers: MedGen C3280282, MONDO:0013655, OMIM 614254.

Submissions (4):

Labcorp Genetics (formerly Invitae), Labcorp
Classification: Pathogenic for Neurodevelopmental disorder with or without hyperkinetic movements and seizures, autosomal dominant. Last evaluated: 2025-11-24. Review status: criteria provided, single submitter. Criteria: Invitae Variant Classification Sherloc (09022015). Collection method: clinical testing. Allele origin: germline.
Comment: This sequence change replaces methionine, which is neutral and non-polar, with valine, which is neutral and non-polar, at codon 641 of the GRIN1 protein (p.Met641Val). This variant is not present in population databases (gnomAD no frequency). This missense change has been observed in individual(s) with early onset epilepsy, visual impairment, and developmental delay (internal data). In at least one individual the variant was observed to be de novo. ClinVar contains an entry for this variant (Variation ID: 1076783). Invitae Evidence Modeling of protein sequence and biophysical properties (such as structural, functional, and spatial information, amino acid conservation, physicochemical variation, residue mobility, and thermodynamic stability) indicates that this missense variant is expected to disrupt GRIN1 protein function with a positive predictive value of 95%. This variant disrupts the p.Met641 amino acid residue in GRIN1. Other variant(s) that disrupt this residue have been determined to be pathogenic (PMID: 25864721, 27164704). This suggests that this residue is clinically significant, and that variants that disrupt this residue are likely to be disease-causing. For these reasons, this variant has been classified as Pathogenic.

GeneDx
Classification: Pathogenic. Last evaluated: 2025-03-25. Review status: criteria provided, single submitter. Criteria: GeneDx Variant Classification Process June 2021. Collection method: clinical testing. Allele origin: germline. Affected: yes.
Comment: Published functional studies demonstrate a damaging effect on GRIN1 function and channel activity (PMID: 34884460); Not observed at significant frequency in large population cohorts (gnomAD); In silico analysis supports that this missense variant has a deleterious effect on protein structure/function; This variant is associated with the following publications: (PMID: 29365063, 27164704, 31440721, 38538865, 34884460)

3billion
Classification: Likely pathogenic for Neurodevelopmental disorder with or without hyperkinetic movements and seizures, autosomal dominant. Last evaluated: 2023-02-23. Review status: criteria provided, single submitter. Criteria: ACMG Guidelines, 2015. Collection method: clinical testing. Allele origin: unknown. Affected: yes.
Comment: The variant is not observed in the gnomAD v2.1.1 dataset. Missense changes are a common disease-causing mechanism. Same nucleotide change resulting in same amino acid change has been previously reported to be associated with GRIN1 -related disorder (ClinVar ID: VCV001076783). Different missense changes at the same codon (p.Met641Ile, p.Met641Thr) have been reported as pathogenic/likely pathogenic with strong evidence (ClinVar ID: VCV000403957, VCV000828036). Therefore, this variant is classified as Likely pathogenic according to the recommendation of ACMG/AMP guideline.

Victorian Clinical Genetics Services, Murdoch Childrens Research Institute
Classification: Pathogenic for Neurodevelopmental disorder with or without hyperkinetic movements and seizures, autosomal dominant. Last evaluated: 2022-02-02. Review status: criteria provided, single submitter. Criteria: ACMG Guidelines, 2015. Collection method: clinical testing. Allele origin: germline. Inheritance: Autosomal dominant inheritance. Affected: yes.
Comment: Based on the classification scheme VCGS_Germline_v1.3.4, this variant is classified as Pathogenic. Following criteria are met: 0103 - Dominant negative, loss of function and gain of function are known mechanisms of disease in this gene and are associated with both autosomal dominant and recessive neurodevelopmental disorder with or without hyperkinetic movements and seizures (MIM#614254, MIM#617820). (I) 0108 - This gene is associated with both recessive and dominant disease. Missense variants and variants predicted to result in a premature termination codon located in the N-terminal domain, tend to be associated to recessive disease. Missense variants with both gain of function and dominant negative consequences on protein function, are associated to dominant disease, and tend to be found in C-terminal domains (PMID: 27164704, PMID: 29365063, OMIM). (I) 0200 - Variant is predicted to result in a missense amino acid change from methionine to valine. (I) 0251 - This variant is heterozygous. (I) 0301 - Variant is absent from gnomAD (both v2 and v3). (SP) 0502 - Missense variant with conflicting in silico predictions and uninformative conservation. (I) 0603 - Missense variant in a region that is highly intolerant to missense variation (high constraint region in DECIPHER). (SP) 0702 - Other missense variants comparable to the one identified in this case have strong previous evidence for pathogenicity. These variants (p.(Met641Leu), p.(Met641Ile)) have been reported as pathogenic, and observed in at least four individuals with early onset epileptic encephalopathy or GRIN1-related disease. In three individuals, the variant was de novo (ClinVar, PMID: 25864721, PMID: 30355546). (SP) 0802 - This variant has moderate previous evidence of pathogenicity in unrelated individuals. This variant has been reported as pathogenic, and observed as de novo an individual (ClinVar). (SP) 0905 - No published segregation evidence has been identified for this variant. (I) 1007 - No published functional evidence has been identified for this variant. (I) 1208 - Inheritance information for this variant is not currently available in this individual. (I) Legend: (SP) - Supporting pathogenic, (I) - Information, (SB) - Supporting benign

Literature cited by the submitters: PubMed 25864721 (cited by Labcorp Genetics (formerly Invitae), Labcorp and Victorian Clinical Genetics Services, Murdoch Childrens Research Institute); PubMed 27164704 (cited by Labcorp Genetics (formerly Invitae), Labcorp and Victorian Clinical Genetics Services, Murdoch Childrens Research Institute); PubMed 29365063 (cited by Victorian Clinical Genetics Services, Murdoch Childrens Research Institute); PubMed 30355546 (cited by Victorian Clinical Genetics Services, Murdoch Childrens Research Institute).

NM_007327.4(GRIN1):c.1921A>G (p.Met641Val)

Gene: GRIN1 (glutamate ionotropic receptor NMDA type subunit 1; plus strand). Cytogenetic location: 9q34.3.
Variant type: single nucleotide variant.
Coding change: c.1921A>G on transcript NM_007327.4 (MANE Select); coding-DNA position 1921, A replaced by G.
Protein change: p.Met641Val; replaces methionine 641 with valine.
Molecular consequence: missense variant.
Genome position (GRCh38, 1-based): chr9:137,162,647, A>G. VCF-style: chr9-137162647-A-G. GRCh37 (hg19) VCF-style: chr9-140057099-A-G.
Other names: c.1921A>G, p.Met641Val (NM_000832.7, NM_021569.4); c.1984A>G, p.Met662Val (NM_001185090.2, NM_001185091.2); c.1921A>G (NM_007327.3); short protein forms M641V, M662V.
Identifiers: ClinVar variation 1076783 (VCV001076783.11), dbSNP rs2131299136, ClinGen allele CA375720620.